The following is an entry in ClinVar:

NM_004380.3(CREBBP):c.5644C>G (p.Leu1882Val)

Gene: CREBBP (CREB binding lysine acetyltransferase; minus strand). Cytogenetic location: 16p13.3.
Variant type: single nucleotide variant.
Coding change: c.5644C>G on transcript NM_004380.3 (MANE Select); coding-DNA position 5644, C replaced by G.
Protein change: p.Leu1882Val; replaces leucine 1882 with valine.
Molecular consequence: missense variant.
Genome position (GRCh38, 1-based): chr16:3,729,403, G>C on the plus strand (C>G on the coding strand, the complement: CREBBP is on the minus strand). VCF-style: chr16-3729403-G-C. GRCh37 (hg19) VCF-style: chr16-3779404-G-C.
Other names: c.5530C>G, p.Leu1844Val (NM_001079846.1); short protein forms L1844V, L1882V.
Identifiers: ClinVar variation 4995338 (VCV004995338.1).

ClinVar aggregate classification (germline): Uncertain significance (1 of 4 stars; one submission).

Conditions:
CREBBP-related disorder. Also called: CREBBP-related disorders; CREBBP-related condition.

gnomAD v4.1: 1 of 1,612,704 alleles (0.000062%); highest among the groups gnomAD compares: Non-Finnish European, 0.000085%; no homozygotes.

Submission:

PreventionGenetics, part of Exact Sciences
Classification: Uncertain significance for CREBBP-related condition. Last evaluated: 2026-03-18. Review status: criteria provided, single submitter. Criteria: ACMG Guidelines, 2015. Collection method: clinical testing. Allele origin: germline.
Comment: The CREBBP c.5644C>G variant is predicted to result in the amino acid substitution p.Leu1882Val. To our knowledge, this variant has not been reported in the literature. This variant is reported in 0.00089% of alleles in individuals of European (Non-Finnish) descent in gnomAD. At this time, the clinical significance of this variant is uncertain due to the absence of conclusive functional and genetic evidence.